The following is an entry in ClinVar:

ClinVar aggregate classification (germline): Uncertain significance (1 of 4 stars; one submission).

Conditions:
Charcot-Marie-Tooth disease, type I (CMT1). Also called: Charcot-Marie-Tooth disease type 1; Charcot-Marie-Tooth, Type 1. Identifiers: Orphanet 65753, MedGen C0751036, MONDO:0019011.

Allele frequency attached by ClinVar (database versions not stated): ExAC 0.00001; gnomAD exomes below 0.00001; gnomAD 0.00001.
gnomAD v4.1: 3 of 1,613,952 alleles (0.00019%); highest among the groups gnomAD compares: Non-Finnish European, 0.00017%; no homozygotes.

Submission:

Labcorp Genetics (formerly Invitae), Labcorp
Classification: Uncertain significance for Charcot-Marie-Tooth disease, type I. Last evaluated: 2025-10-08. Review status: criteria provided, single submitter. Criteria: Invitae Variant Classification Sherloc (09022015). Collection method: clinical testing. Allele origin: germline.
Comment: This sequence change replaces histidine, which is basic and polar, with arginine, which is basic and polar, at codon 239 of the EGR2 protein (p.His239Arg). This variant is present in population databases (rs760456822, gnomAD 0.0009%). This variant has not been reported in the literature in individuals affected with EGR2-related conditions. ClinVar contains an entry for this variant (Variation ID: 1376752). Invitae Evidence Modeling of protein sequence and biophysical properties (such as structural, functional, and spatial information, amino acid conservation, physicochemical variation, residue mobility, and thermodynamic stability) indicates that this missense variant is not expected to disrupt EGR2 protein function with a negative predictive value of 80%. In summary, the available evidence is currently insufficient to determine the role of this variant in disease. Therefore, it has been classified as a Variant of Uncertain Significance.

NM_000399.5(EGR2):c.716A>G (p.His239Arg)

Gene: EGR2 (early growth response 2; minus strand). Cytogenetic location: 10q21.3.
Variant type: single nucleotide variant.
Coding change: c.716A>G on transcript NM_000399.5 (MANE Select); coding-DNA position 716, A replaced by G.
Protein change: p.His239Arg; replaces histidine 239 with arginine.
Molecular consequence: missense variant.
Genome position (GRCh38, 1-based): chr10:62,813,922, T>C on the plus strand (A>G on the coding strand, the complement: EGR2 is on the minus strand). VCF-style: chr10-62813922-T-C. GRCh37 (hg19) VCF-style: chr10-64573682-T-C.
Other names: c.716A>G, p.His239Arg (NM_001136177.3, NM_001136178.2); c.566A>G, p.His189Arg (NM_001136179.3, NM_001321037.2); short protein forms H239R, H189R.
Identifiers: ClinVar variation 1376752 (VCV001376752.8), dbSNP rs760456822, ClinGen allele CA5517240.
Genomic context (GRCh38, chr10:62,813,922, plus strand): 5'-GGCACCCGCAGGGTGTCCAGTGGGCAGGGAAAGGGCTTACGGTCTGGGCCAGCTGTACCA[T>C]GTAGGTCTCTCTGGCACTGAGATGGAAAGAATCCAGGATAGTCTGGGATCATTGGGAAGA-3'
Protein context (NP_000390.2, residues 229-249): FFPSQCQRDL[His239Arg]GTAGPDRKPF